The following is an entry in ClinVar:

ClinVar aggregate classification (germline): Uncertain significance. Review status: criteria provided, multiple submitters, no conflicts (2 of 4 stars). 5 submissions from 5 submitters: Uncertain significance (5). Last evaluated 2025-12-20.

Conditions:
Catecholaminergic polymorphic ventricular tachycardia (CVPT). Also called: Catecholamine-induced polymorphic ventricular tachycardia. Identifiers: Orphanet 3286, MedGen C5574922, MONDO:0017990.
Catecholaminergic polymorphic ventricular tachycardia 1. Also called: VENTRICULAR TACHYCARDIA, CATECHOLAMINERGIC POLYMORPHIC, 1, WITH OR WITHOUT ATRIAL DYSFUNCTION AND/OR DILATED CARDIOMYOPATHY; RYR2-Related Catecholaminergic Polymorphic Ventricular Tachycardia; VENTRICULAR TACHYCARDIA, STRESS-INDUCED POLYMORPHIC 1. Identifiers: Orphanet 3286, MedGen C1631597, MONDO:0011484, OMIM 604772.
Cardiomyopathy (CMYO). Also called: Cardiomyopathies. Identifiers: Orphanet 167848, MedGen C0878544, MONDO:0004994, HP:0001638. Inheritance: Various modes of inheritance.
Cardiovascular phenotype. Identifiers: MedGen CN230736.

Allele frequency attached by ClinVar (database versions not stated): gnomAD exomes below 0.00001; gnomAD 0.00001.
gnomAD v4.1: 7 of 1,612,998 alleles (0.00043%); highest among the groups gnomAD compares: East Asian, 0.0022%; no homozygotes.

Submissions (5):

Labcorp Genetics (formerly Invitae), Labcorp
Classification: Uncertain significance for Catecholaminergic polymorphic ventricular tachycardia 1. Last evaluated: 2025-12-20. Review status: criteria provided, single submitter. Criteria: Invitae Variant Classification Sherloc (09022015). Collection method: clinical testing. Allele origin: germline.
Comment: This sequence change replaces valine, which is neutral and non-polar, with methionine, which is neutral and non-polar, at codon 1588 of the RYR2 protein (p.Val1588Met). This variant is not present in population databases (gnomAD no frequency). This variant has not been reported in the literature in individuals affected with RYR2-related conditions. ClinVar contains an entry for this variant (Variation ID: 1804193). Invitae Evidence Modeling of protein sequence and biophysical properties (such as structural, functional, and spatial information, amino acid conservation, physicochemical variation, residue mobility, and thermodynamic stability) indicates that this missense variant is expected to disrupt RYR2 protein function with a positive predictive value of 95%. In summary, the available evidence is currently insufficient to determine the role of this variant in disease. Therefore, it has been classified as a Variant of Uncertain Significance.

Ambry Genetics
Classification: Uncertain significance for Cardiovascular phenotype. Last evaluated: 2024-04-26. Review status: criteria provided, single submitter. Criteria: Ambry Variant Classification Scheme 2023. Collection method: clinical testing. Allele origin: germline.
Comment: The p.V1588M variant (also known as c.4762G>A), located in coding exon 36 of the RYR2 gene, results from a G to A substitution at nucleotide position 4762. The valine at codon 1588 is replaced by methionine, an amino acid with highly similar properties. This amino acid position is highly conserved in available vertebrate species. In addition, this alteration is predicted to be deleterious by in silico analysis. Based on the available evidence, the clinical significance of this variant remains unclear.

All of Us Research Program, National Institutes of Health
Classification: Uncertain significance for Catecholaminergic polymorphic ventricular tachycardia. Last evaluated: 2024-02-05. Review status: criteria provided, single submitter. Criteria: ACMG Guidelines, 2015. Collection method: clinical testing. Allele origin: germline. Inheritance: Autosomal dominant inheritance. Observed: 1 variant allele, 1 heterozygote.
Comment: This missense variant replaces valine with methionine at codon 1588 of the RYR2 protein. Computational prediction tool indicates this variant may have an inconclusive impact on protein structure and function. To our knowledge, functional studies have not been reported for this variant. This variant has not been reported in individuals affected with RYR2-related disorders in the literature. This variant has not been identified in the general population by the Genome Aggregation Database (gnomAD). The available evidence is insufficient to determine the role of this variant in disease conclusively. Therefore, this variant is classified as a Variant of Uncertain Significance.

This study involves interpretation of variants in research participants for the purpose of population health screening. Participant phenotype was not available at the time of variant classification. Additional details can be found in publication PMID: 35346344, PMCID: PMC8962531

Color Diagnostics, LLC DBA Color Health
Classification: Uncertain significance for Cardiomyopathy. Last evaluated: 2024-01-26. Review status: criteria provided, single submitter. Criteria: ACMG Guidelines, 2015. Collection method: clinical testing. Allele origin: germline.
Comment: This missense variant replaces valine with methionine at codon 1588 of the RYR2 protein. Computational prediction tool indicates this variant may have an inconclusive impact on protein structure and function. To our knowledge, functional studies have not been reported for this variant. This variant has not been reported in individuals affected with RYR2-related disorders in the literature. This variant has not been identified in the general population by the Genome Aggregation Database (gnomAD). The available evidence is insufficient to determine the role of this variant in disease conclusively. Therefore, this variant is classified as a Variant of Uncertain Significance.

GeneDx
Classification: Uncertain significance. Last evaluated: 2022-11-30. Review status: criteria provided, single submitter. Criteria: GeneDx Variant Classification Process June 2021. Collection method: clinical testing. Allele origin: germline. Affected: yes.
Comment: Has not been previously published as pathogenic or benign to our knowledge; Not observed at significant frequency in large population cohorts (gnomAD); Not located in one of the three hot-spot regions of the RYR2 gene, where the majority of pathogenic missense variants occur (Medeiros-Domingo et al., 2009); In silico analysis supports that this missense variant does not alter protein structure/function

NM_001035.3(RYR2):c.4762G>A (p.Val1588Met)

Gene: RYR2 (ryanodine receptor 2; plus strand). Cytogenetic location: 1q43.
Variant type: single nucleotide variant.
Coding change: c.4762G>A on transcript NM_001035.3 (MANE Select); coding-DNA position 4762, G replaced by A.
Protein change: p.Val1588Met; replaces valine 1588 with methionine.
Molecular consequence: missense variant.
Genome position (GRCh38, 1-based): chr1:237,610,840, G>A. VCF-style: chr1-237610840-G-A. GRCh37 (hg19) VCF-style: chr1-237774140-G-A.
Other names: short protein forms V1588M.
Identifiers: ClinVar variation 1804193 (VCV001804193.6), dbSNP rs1215719873, ClinGen allele CA345402438.